The following is an entry in ClinVar:

ClinVar aggregate classification (germline): Uncertain significance (1 of 4 stars; one submission).

gnomAD v4.1: 5 of 1,613,796 alleles (0.00031%); highest among the groups gnomAD compares: African/African-American, 0.0067%; no homozygotes.

Submission:

Labcorp Genetics (formerly Invitae), Labcorp
Classification: Uncertain significance. Last evaluated: 2023-11-28. Review status: criteria provided, single submitter. Criteria: Invitae Variant Classification Sherloc (09022015). Collection method: clinical testing. Allele origin: germline.
Comment: This sequence change replaces valine, which is neutral and non-polar, with leucine, which is neutral and non-polar, at codon 2904 of the USH2A protein (p.Val2904Leu). This variant is present in population databases (no rsID available, gnomAD 0.01%). This variant has not been reported in the literature in individuals affected with USH2A-related conditions. ClinVar contains an entry for this variant (Variation ID: 1443694). Advanced modeling of protein sequence and biophysical properties (such as structural, functional, and spatial information, amino acid conservation, physicochemical variation, residue mobility, and thermodynamic stability) performed at Invitae indicates that this missense variant is not expected to disrupt USH2A protein function with a negative predictive value of 95%. Algorithms developed to predict the effect of sequence changes on RNA splicing suggest that this variant may create or strengthen a splice site. In summary, the available evidence is currently insufficient to determine the role of this variant in disease. Therefore, it has been classified as a Variant of Uncertain Significance.

NM_206933.4(USH2A):c.8710G>C (p.Val2904Leu)

Gene: USH2A (usherin; minus strand). Cytogenetic location: 1q41.
Variant type: single nucleotide variant.
Coding change: c.8710G>C on transcript NM_206933.4 (MANE Select); coding-DNA position 8710, G replaced by C.
Protein change: p.Val2904Leu; replaces valine 2904 with leucine.
Molecular consequence: missense variant.
Genome position (GRCh38, 1-based): chr1:215,867,142, C>G on the plus strand (G>C on the coding strand, the complement: USH2A is on the minus strand). VCF-style: chr1-215867142-C-G. GRCh37 (hg19) VCF-style: chr1-216040484-C-G.
Other names: short protein forms V2904L.
Identifiers: ClinVar variation 1443694 (VCV001443694.7), dbSNP rs142649882, ClinGen allele CA37459516.